The following is an entry in ClinVar:

NM_021729.6(VPS11):c.190A>C (p.Met64Leu)

Gene: VPS11 (VPS11 core subunit of CORVET and HOPS complexes; plus strand). Cytogenetic location: 11q23.3.
Variant type: single nucleotide variant.
Coding change: c.190A>C on transcript NM_021729.6 (MANE Select); coding-DNA position 190, A replaced by C.
Protein change: p.Met64Leu; replaces methionine 64 with leucine.
Molecular consequence: missense variant. On other transcripts: non-coding transcript variant (8).
Genome position (GRCh38, 1-based): chr11:119,069,198, A>C. VCF-style: chr11-119069198-A-C. GRCh37 (hg19) VCF-style: chr11-118939909-A-C.
Other names: c.160A>C, p.Met54Leu (NM_001290185.2, NM_001378221.1); c.190A>C, p.Met64Leu (NM_001378218.1, NM_001378219.1, NM_001378220.1); short protein forms M54L, M64L.
Identifiers: ClinVar variation 1806086 (VCV001806086.1), dbSNP rs914945151, ClinGen allele CA382961221.
Genomic context (GRCh38, chr11:119,069,198, plus strand): 5'-TTCTGGTCTGAATGTAAGTATCTCTCCTTGGAAAGGAGGCTCCTTGACTACCCTGCACAT[A>C]TGGAAGGCCAGATCTGGTTCTTGCCACGTTCCCTACAGCTTACAGGCTTCCAAGCCTACA-3'
Protein context (NP_068375.3, residues 54-74): SGRGSLVFGD[Met64Leu]EGQIWFLPRS

ClinVar aggregate classification (germline): Uncertain significance (1 of 4 stars; one submission).

Conditions:
Leukodystrophy, hypomyelinating, 12. Identifiers: Orphanet 466934, MedGen C4225247, MONDO:0014732, OMIM 616683.

Submission:

Victorian Clinical Genetics Services, Murdoch Childrens Research Institute
Classification: Uncertain significance for Leukodystrophy, hypomyelinating, 12. Last evaluated: 2020-10-19. Review status: criteria provided, single submitter. Criteria: ACMG Guidelines, 2015. Collection method: clinical testing. Allele origin: germline. Inheritance: Autosomal recessive inheritance.
Comment: Based on the classification scheme VCGS_Germline_v1.1.1, this variant is classified as 3B-VUS. Following criteria are met: 0102 - Loss-of-function is a known mechanism of disease for this gene. (N) 0106 - This gene is known to be associated with autosomal recessive disease. (N) 0200 - Variant is predicted to result in a missense amino acid change from methionine to leucine (exon 2). (N) 0251 - Variant is heterozygous. (N) 0301 - Variant is absent from gnomAD. (P) 0309 - Multiple alternative amino acid changes at the same position have been observed in gnomAD (v3 highest allele count: 2 heterozygotes, 0 homozygotes). (N) 0502 - Missense variant with conflicting in-silico predictions and/or uninformative conservation. (N) 0604 - Variant is not located in an established domain, motif, hotspot or informative constraint region. (N) 0705 - No comparable variants have previous evidence for pathogenicity. (N) 0807 - Variant has not previously been reported in a clinical context. (N) 0905 - No segregation evidence has been identified for this variant. (N) 1007 - No published functional evidence has been identified for this variant. (N) 1208 - Inheritance information for this variant is not currently available. (N) Legend: (P) - Pathogenic, (N) - Neutral, (B) - Benign